The following is an entry in ClinVar:

NM_130384.3(ATRIP):c.1204G>C (p.Glu402Gln)

Genes: ATRIP (ATR interacting protein; plus strand), ATRIP-TREX1 (ATRIP-TREX1 readthrough; plus strand). Cytogenetic location: 3p21.31.
Variant type: single nucleotide variant.
Coding change: c.1204G>C on transcript NM_130384.3 (MANE Select); coding-DNA position 1204, G replaced by C.
Protein change: p.Glu402Gln; replaces glutamic acid 402 with glutamine.
Molecular consequence: missense variant. On other transcripts: non-coding transcript variant (1).
Genome position (GRCh38, 1-based): chr3:48,460,258, G>C. VCF-style: chr3-48460258-G-C. GRCh37 (hg19) VCF-style: chr3-48501657-G-C.
Other names: c.823G>C, p.Glu275Gln (NM_001271022.2); c.925G>C, p.Glu309Gln (NM_001271023.2); c.1204G>C, p.Glu402Gln (NM_032166.4); short protein forms E275Q, E402Q, E309Q.
Identifiers: ClinVar variation 4644565 (VCV004644565.1).

ClinVar aggregate classification (germline): Uncertain significance (1 of 4 stars; one submission).

gnomAD v4.1: 2 of 1,614,156 alleles (0.00012%); highest among the groups gnomAD compares: Non-Finnish European, 0.000085%; no homozygotes.

Submission:

Ambry Genetics
Classification: Uncertain significance. Last evaluated: 2025-10-30. Review status: criteria provided, single submitter. Criteria: Ambry Variant Classification Scheme 2023. Collection method: clinical testing. Allele origin: germline.
Comment: The p.E402Q variant (also known as c.1204G>C), located in coding exon 8 of the ATRIP gene, results from a G to C substitution at nucleotide position 1204. The glutamic acid at codon 402 is replaced by glutamine, an amino acid with highly similar properties. This amino acid position is conserved. In addition, this alteration is predicted to be tolerated by in silico analysis. Based on the available evidence, the clinical significance of this variant remains unclear.